The following is an entry in ClinVar:

NM_006914.4(RORB):c.725A>G (p.His242Arg)

Gene: RORB (RAR related orphan receptor B; plus strand). Cytogenetic location: 9q21.13.
Variant type: single nucleotide variant.
Coding change: c.725A>G on transcript NM_006914.4 (MANE Select); coding-DNA position 725, A replaced by G.
Protein change: p.His242Arg; replaces histidine 242 with arginine.
Molecular consequence: missense variant.
Genome position (GRCh38, 1-based): chr9:74,660,704, A>G. VCF-style: chr9-74660704-A-G. GRCh37 (hg19) VCF-style: chr9-77275620-A-G.
Other names: c.758A>G, p.His253Arg (NM_001365023.1); c.725A>G (NM_006914.3); short protein forms H242R, H253R.
Identifiers: ClinVar variation 1717166 (VCV001717166.6), dbSNP rs2489621865, ClinGen allele CA373770551.

ClinVar aggregate classification (germline): Uncertain significance. Review status: criteria provided, multiple submitters, no conflicts (2 of 4 stars). 2 submissions from 2 submitters: Uncertain significance (2). Last evaluated 2025-10-10.

Conditions:
RORB-related disorder. Also called: RORB-related condition.

Submissions (2):

PreventionGenetics, part of Exact Sciences
Classification: Uncertain significance for RORB-related condition. Last evaluated: 2025-10-10. Review status: criteria provided, single submitter. Criteria: ACMG Guidelines, 2015. Collection method: clinical testing. Allele origin: germline.
Comment: The RORB c.725A>G variant is predicted to result in the amino acid substitution p.His242Arg. To our knowledge, this variant has not been reported in the literature or in a large population database (gnomAD), indicating this variant is rare. At this time, the clinical significance of this variant is uncertain due to the absence of conclusive functional and genetic evidence.

Labcorp Genetics (formerly Invitae), Labcorp
Classification: Uncertain significance. Last evaluated: 2022-08-31. Review status: criteria provided, single submitter. Criteria: Invitae Variant Classification Sherloc (09022015). Collection method: clinical testing. Allele origin: germline.
Comment: Algorithms developed to predict the effect of missense changes on protein structure and function (SIFT, PolyPhen-2, Align-GVGD) all suggest that this variant is likely to be tolerated. This variant has not been reported in the literature in individuals affected with RORB-related conditions. This variant is not present in population databases (gnomAD no frequency). This sequence change replaces histidine, which is basic and polar, with arginine, which is basic and polar, at codon 242 of the RORB protein (p.His242Arg). In summary, the available evidence is currently insufficient to determine the role of this variant in disease. Therefore, it has been classified as a Variant of Uncertain Significance.